The following is an entry in ClinVar:

ClinVar aggregate classification (germline): Conflicting classifications of pathogenicity. Review status: criteria provided, conflicting classifications (1 of 4 stars). 6 submissions from 6 submitters: Uncertain significance (1); Benign (1); Likely benign (4). Last evaluated 2026-02-01.

Conditions:
Inborn genetic diseases. Identifiers: MedGen C0950123, MeSH D030342.
Facioscapulohumeral muscular dystrophy 2 (FSHD2). Also called: MUSCULAR DYSTROPHY, FACIOSCAPULOHUMERAL, TYPE 1B; FACIOSCAPULOHUMERAL MUSCULAR DYSTROPHY 2, DIGENIC; FSHD2, DIGENIC. Identifiers: Orphanet 269, MedGen C1834671, MONDO:0008031, OMIM 158901.

Allele frequency attached by ClinVar (database versions not stated): TOPMed 0.00092; 1000 Genomes Project 0.00100; 1000 Genomes Project 30x 0.00125; ESP Exome Variant Server 0.00135.
gnomAD v4.1: 2,119 of 1,613,100 alleles (0.13%); highest among the groups gnomAD compares: Non-Finnish European, 0.16%; 1 homozygote.

Submissions (6):

Labcorp Genetics (formerly Invitae), Labcorp
Classification: Likely benign for Facioscapulohumeral muscular dystrophy 2. Last evaluated: 2026-02-01. Review status: criteria provided, single submitter. Criteria: Invitae Variant Classification Sherloc (09022015). Collection method: clinical testing. Allele origin: germline.

Blueprint Genetics
Classification: Likely benign. Last evaluated: 2024-11-28. Review status: criteria provided, single submitter. Criteria: ACMG Guidelines, 2015. Collection method: clinical testing. Allele origin: germline.

Ambry Genetics
Classification: Likely benign for Inborn genetic diseases. Last evaluated: 2023-05-31. Review status: criteria provided, single submitter. Criteria: Ambry Variant Classification Scheme 2023. Collection method: clinical testing. Allele origin: germline.

GeneDx
Classification: Benign. Last evaluated: 2021-07-09. Review status: criteria provided, single submitter. Criteria: GeneDx Variant Classification Process June 2021. Collection method: clinical testing. Allele origin: germline. Affected: yes.
Comment: This variant is associated with the following publications: (PMID: 25256356)

Eurofins Ntd Llc (ga)
Classification: Uncertain significance. Last evaluated: 2017-10-26. Review status: criteria provided, single submitter. Criteria: EGL Classification Definitions 2015. Collection method: clinical testing. Allele origin: germline. Observed: 13 variant alleles, 13 heterozygotes.

PreventionGenetics, part of Exact Sciences
Classification: Likely benign. Review status: criteria provided, single submitter. Criteria: ACMG Guidelines, 2015. Collection method: clinical testing. Allele origin: germline.

NM_015295.3(SMCHD1):c.3444T>A (p.Pro1148=)

Gene: SMCHD1 (structural maintenance of chromosomes flexible hinge domain containing 1; plus strand). Cytogenetic location: 18p11.32.
Variant type: single nucleotide variant.
Coding change: c.3444T>A on transcript NM_015295.3 (MANE Select); coding-DNA position 3444, T replaced by A.
Protein change: p.Pro1148=; no amino-acid change (proline 1148 retained).
Molecular consequence: synonymous variant.
Genome position (GRCh38, 1-based): chr18:2,739,450, T>A. VCF-style: chr18-2739450-T-A. GRCh37 (hg19) VCF-style: chr18-2739448-T-A.
Identifiers: ClinVar variation 196033 (VCV000196033.22), dbSNP rs76290319, ClinGen allele CA242785.